The following is an entry in ClinVar:

ClinVar aggregate classification (germline): Uncertain significance (1 of 4 stars; one submission).

Allele frequency attached by ClinVar (database versions not stated): gnomAD 0.00001.
gnomAD v4.1: 2 of 1,607,708 alleles (0.00012%); highest among the groups gnomAD compares: African/African-American, 0.0027%; no homozygotes.

Submission:

Women's Health and Genetics/Laboratory Corporation of America, LabCorp
Classification: Uncertain significance. Last evaluated: 2023-10-27. Review status: criteria provided, single submitter. Criteria: LabCorp Variant Classification Summary - May 2015. Collection method: clinical testing. Allele origin: germline.
Comment: Variant summary: TRPM3 c.3496G>T (p.Gly1166Cys) results in a non-conservative amino acid change in the encoded protein sequence. Three of four in-silico tools predict a damaging effect of the variant on protein function. The variant was absent in 250472 control chromosomes (gnomAD). The available data on variant occurrences in the general population are insufficient to allow any conclusion about variant significance. To our knowledge, no occurrence of c.3496G>T in individuals affected with Neurodevelopmental Disorder With Hypotonia, Dysmorphic Facies, And Skeletal Anomalies, With Or Without Seizures and no experimental evidence demonstrating its impact on protein function have been reported. No submitters have cited clinical-significance assessments for this variant to ClinVar after 2014. Based on the evidence outlined above, the variant was classified as uncertain significance.

NM_001366145.2(TRPM3):c.3991G>T (p.Gly1331Cys)

Genes: KLF9-DT (KLF9 divergent transcript; plus strand), TRPM3 (transient receptor potential cation channel subfamily M member 3; minus strand). Cytogenetic location: 9q21.12.
Variant type: single nucleotide variant.
Coding change: c.3991G>T on transcript NM_001366145.2 (MANE Select); coding-DNA position 3991, G replaced by T.
Protein change: p.Gly1331Cys; replaces glycine 1331 with cysteine.
Molecular consequence: missense variant. On other transcripts: nonsense (8).
Genome position (GRCh38, 1-based): chr9:70,537,122, C>A on the plus strand (G>T on the coding strand, the complement: TRPM3 is on the minus strand). VCF-style: chr9-70537122-C-A. GRCh37 (hg19) VCF-style: chr9-73152038-C-A.
Other names: c.3955G>T, p.Gly1319Cys (NM_001007471.4); c.3961G>T, p.Gly1321Cys (NM_001366141.2, NM_001366149.2); c.3997G>T, p.Glu1333Ter (NM_001366142.2); c.3961G>T, p.Glu1321Ter (NM_001366143.2); c.3991G>T, p.Glu1331Ter (NM_001366146.2); c.4066G>T, p.Gly1356Cys (NM_001366147.2); c.4036G>T, p.Glu1346Ter (NM_001366148.2); c.3925G>T, p.Glu1309Ter (NM_001366150.2); and 9 more; short protein forms E1178*, E1309*, E1319*, E1321*, E1331*, E1333*, E1346*, E1356*.
Identifiers: ClinVar variation 2637530 (VCV002637530.1), dbSNP rs1386465651, ClinGen allele CA373551284.